The following is an entry in ClinVar:

NM_015102.5(NPHP4):c.1929G>A (p.Met643Ile)

Gene: NPHP4 (nephrocystin 4; minus strand). Cytogenetic location: 1p36.31.
Variant type: single nucleotide variant.
Coding change: c.1929G>A on transcript NM_015102.5 (MANE Select); coding-DNA position 1929, G replaced by A.
Protein change: p.Met643Ile; replaces methionine 643 with isoleucine.
Molecular consequence: missense variant. On other transcripts: non-coding transcript variant (1).
Genome position (GRCh38, 1-based): chr1:5,905,318, C>T on the plus strand (G>A on the coding strand, the complement: NPHP4 is on the minus strand). VCF-style: chr1-5905318-C-T. GRCh37 (hg19) VCF-style: chr1-5965378-C-T.
Other names: c.390G>A, p.Met130Ile (NM_001291593.2); c.393G>A, p.Met131Ile (NM_001291594.2); short protein forms M643I, M130I, M131I.
Identifiers: ClinVar variation 297814 (VCV000297814.12), dbSNP rs779995407, ClinGen allele CA554337.

ClinVar aggregate classification (germline): Uncertain significance. Review status: criteria provided, multiple submitters, no conflicts (2 of 4 stars). 3 submissions from 2 submitters: Uncertain significance (3). Last evaluated 2022-06-03.

Conditions:
Senior-Loken syndrome 4 (SLSN4). Identifiers: Orphanet 3156, MedGen C1846979, MONDO:0011756, OMIM 606996.
Nephronophthisis. Also called: Juvenile Nephronophthisis. Identifiers: Orphanet 655, MedGen C0687120, MONDO:0019005, HP:0000090.
Nephronophthisis 4 (NPHP4). Also called: NEPHRONOPHTHISIS 4, JUVENILE. Identifiers: Orphanet 655, MedGen C1847013, MONDO:0011752, OMIM 606966.

Allele frequency attached by ClinVar (database versions not stated): gnomAD exomes below 0.00001 and 0.00002; TOPMed 0.00001; ExAC 0.00003.
gnomAD v4.1: 6 of 1,613,772 alleles (0.00037%); highest among the groups gnomAD compares: East Asian, 0.0067%; no homozygotes.

Submissions (3):

Labcorp Genetics (formerly Invitae), Labcorp
Classification: Uncertain significance for Nephronophthisis. Last evaluated: 2022-06-03. Review status: criteria provided, single submitter. Criteria: Invitae Variant Classification Sherloc (09022015). Collection method: clinical testing. Allele origin: germline.
Comment: In summary, the available evidence is currently insufficient to determine the role of this variant in disease. Therefore, it has been classified as a Variant of Uncertain Significance. Algorithms developed to predict the effect of missense changes on protein structure and function output the following: SIFT: "Tolerated"; PolyPhen-2: "Benign"; Align-GVGD: "Class C0". The isoleucine amino acid residue is found in multiple mammalian species, which suggests that this missense change does not adversely affect protein function. ClinVar contains an entry for this variant (Variation ID: 297814). This variant has not been reported in the literature in individuals affected with NPHP4-related conditions. This variant is present in population databases (rs779995407, gnomAD 0.02%). This sequence change replaces methionine, which is neutral and non-polar, with isoleucine, which is neutral and non-polar, at codon 643 of the NPHP4 protein (p.Met643Ile).

Illumina Laboratory Services, Illumina
Classification: Uncertain significance for Senior-Loken syndrome 4. Last evaluated: 2018-01-13. Review status: criteria provided, single submitter. Criteria: ICSL Variant Classification Criteria 13 December 2019. Collection method: clinical testing. Allele origin: germline.

Illumina Laboratory Services, Illumina
Classification: Uncertain significance for Nephronophthisis 4. Last evaluated: 2018-01-13. Review status: criteria provided, single submitter. Criteria: ICSL Variant Classification Criteria 13 December 2019. Collection method: clinical testing. Allele origin: germline.